The following is an entry in ClinVar:

NM_001148.6(ANK2):c.6276A>G (p.Ile2092Met)

Genes: ANK2 (ankyrin 2; plus strand), LOC126807136 (MED14-independent group 3 enhancer GRCh37_chr4:114274931-114276130; plus strand). Cytogenetic location: 4q26.
Variant type: single nucleotide variant.
Coding change: c.6276A>G on transcript NM_001148.6 (MANE Select); coding-DNA position 6276, A replaced by G.
Protein change: p.Ile2092Met; replaces isoleucine 2092 with methionine.
Molecular consequence: missense variant. On other transcripts: intron variant (68).
Genome position (GRCh38, 1-based): chr4:113,354,894, A>G. VCF-style: chr4-113354894-A-G. GRCh37 (hg19) VCF-style: chr4-114276050-A-G.
Other names: c.6042A>G, p.Ile2014Met (NM_001386142.1); c.2676A>G, p.Ile892Met (NM_001386166.1); c.6417A>G, p.Ile2139Met (NM_001386174.1); c.6393A>G, p.Ile2131Met (NM_001386175.1); c.4411+4645A>G (NM_001386186.2, NM_001386148.2); c.4213+4645A>G (NM_001354269.3); c.4291+4645A>G (NM_001386187.2); c.4252+4645A>G (NM_001386147.1); and 35 more; short protein forms I2014M, I2139M, I892M, I2131M, I2092M.
Identifiers: ClinVar variation 4704768 (VCV004704768.1).

ClinVar aggregate classification (germline): Uncertain significance (1 of 4 stars; one submission).

Conditions:
Long QT syndrome (LQTS). Identifiers: MedGen C0023976, MeSH D008133, MONDO:0002442. Disease mechanism: loss of function. Inheritance: Various modes of inheritance.

Submission:

Labcorp Genetics (formerly Invitae), Labcorp
Classification: Uncertain significance for Long QT syndrome. Last evaluated: 2025-12-02. Review status: criteria provided, single submitter. Criteria: Invitae Variant Classification Sherloc (09022015). Collection method: clinical testing. Allele origin: germline.
Comment: This sequence change replaces isoleucine, which is neutral and non-polar, with methionine, which is neutral and non-polar, at codon 2092 of the ANK2 protein (p.Ile2092Met). This variant is not present in population databases (gnomAD no frequency). This variant has not been reported in the literature in individuals affected with ANK2-related conditions. An algorithm developed to predict the effect of missense changes on protein structure and function outputs the following: PolyPhen-2: "Benign". The methionine amino acid residue is found in multiple mammalian species, which suggests that this missense change does not adversely affect protein function. In summary, the available evidence is currently insufficient to determine the role of this variant in disease. Therefore, it has been classified as a Variant of Uncertain Significance.